The following is an entry in ClinVar:

ClinVar aggregate classification (germline): Uncertain significance. Review status: criteria provided, multiple submitters, no conflicts (2 of 4 stars). 2 submissions from 2 submitters: Uncertain significance (2). Last evaluated 2025-09-15.

Conditions:
DDR2-related disorder. Also called: DDR2-related condition.

gnomAD v4.1: 11 of 1,614,104 alleles (0.00068%); highest among the groups gnomAD compares: Admixed American, 0.005%; no homozygotes.

Submissions (2):

Labcorp Genetics (formerly Invitae), Labcorp
Classification: Uncertain significance. Last evaluated: 2025-09-15. Review status: criteria provided, single submitter. Criteria: Invitae Variant Classification Sherloc (09022015). Collection method: clinical testing. Allele origin: germline.
Comment: This sequence change replaces leucine, which is neutral and non-polar, with phenylalanine, which is neutral and non-polar, at codon 338 of the DDR2 protein (p.Leu338Phe). This variant is present in population databases (no rsID available, gnomAD 0.003%). This variant has not been reported in the literature in individuals affected with DDR2-related conditions. An algorithm developed to predict the effect of missense changes on protein structure and function (PolyPhen-2) suggests that this variant is likely to be disruptive. In summary, the available evidence is currently insufficient to determine the role of this variant in disease. Therefore, it has been classified as a Variant of Uncertain Significance.

PreventionGenetics, part of Exact Sciences
Classification: Uncertain significance for DDR2-related condition. Last evaluated: 2025-05-12. Review status: criteria provided, single submitter. Criteria: ACMG Guidelines, 2015. Collection method: clinical testing. Allele origin: germline.
Comment: The DDR2 c.1012C>T variant is predicted to result in the amino acid substitution p.Leu338Phe. To our knowledge, this variant has not been reported in the literature. This variant is reported in 0.00078% of alleles in individuals of European (Non-Finnish) descent in gnomAD. At this time, the clinical significance of this variant is uncertain due to the absence of conclusive functional and genetic evidence.

NM_006182.4(DDR2):c.1012C>T (p.Leu338Phe)

Gene: DDR2 (discoidin domain receptor tyrosine kinase 2; plus strand). Cytogenetic location: 1q23.3.
Variant type: single nucleotide variant.
Coding change: c.1012C>T on transcript NM_006182.4 (MANE Select); coding-DNA position 1012, C replaced by T.
Protein change: p.Leu338Phe; replaces leucine 338 with phenylalanine.
Molecular consequence: missense variant.
Genome position (GRCh38, 1-based): chr1:162,761,367, C>T. VCF-style: chr1-162761367-C-T. GRCh37 (hg19) VCF-style: chr1-162731157-C-T.
Other names: c.1012C>T, p.Leu338Phe (NM_001354983.2, NM_001014796.3, NM_001354982.2); c.1012C>T (NM_006182.2); short protein forms L338F.
Identifiers: ClinVar variation 4706330 (VCV004706330.2).